The following is an entry in ClinVar:

ClinVar aggregate classification (germline): Conflicting classifications of pathogenicity. Review status: criteria provided, conflicting classifications (1 of 4 stars). 4 submissions from 4 submitters: Uncertain significance (3); Likely benign (1). Last evaluated 2024-11-11.

Conditions:
Inborn genetic diseases. Identifiers: MedGen C0950123, MeSH D030342.

Allele frequency attached by ClinVar (database versions not stated): gnomAD exomes 0.00023 and 0.00031; gnomAD 0.00024 and 0.00025; ExAC 0.00026; ESP Exome Variant Server 0.00033; TOPMed 0.00037.
gnomAD v4.1: 382 of 1,614,066 alleles (0.024%); highest among the groups gnomAD compares: South Asian, 0.092%; no homozygotes.

Submissions (4):

Blueprint Genetics
Classification: Likely benign. Last evaluated: 2024-11-11. Review status: criteria provided, single submitter. Criteria: ACMG Guidelines, 2015. Collection method: clinical testing. Allele origin: germline.

Ambry Genetics
Classification: Uncertain significance for Inborn genetic diseases. Last evaluated: 2024-01-02. Review status: criteria provided, single submitter. Criteria: Ambry Variant Classification Scheme 2023. Collection method: clinical testing. Allele origin: germline.

GeneDx
Classification: Uncertain significance. Last evaluated: 2022-10-13. Review status: criteria provided, single submitter. Criteria: GeneDx Variant Classification Process June 2021. Collection method: clinical testing. Allele origin: germline. Affected: yes.
Comment: In silico analysis supports that this missense variant does not alter protein structure/function; Has not been previously published as pathogenic or benign to our knowledge

Labcorp Genetics (formerly Invitae), Labcorp
Classification: Uncertain significance. Last evaluated: 2022-09-14. Review status: criteria provided, single submitter. Criteria: Invitae Variant Classification Sherloc (09022015). Collection method: clinical testing. Allele origin: germline.
Comment: This sequence change replaces threonine, which is neutral and polar, with isoleucine, which is neutral and non-polar, at codon 56 of the TUBGCP4 protein (p.Thr56Ile). This variant is present in population databases (rs202184979, gnomAD 0.09%). This variant has not been reported in the literature in individuals affected with TUBGCP4-related conditions. ClinVar contains an entry for this variant (Variation ID: 839511). Advanced modeling of protein sequence and biophysical properties (such as structural, functional, and spatial information, amino acid conservation, physicochemical variation, residue mobility, and thermodynamic stability) performed at Invitae indicates that this missense variant is not expected to disrupt TUBGCP4 protein function. In summary, the available evidence is currently insufficient to determine the role of this variant in disease. Therefore, it has been classified as a Variant of Uncertain Significance.

NM_014444.5(TUBGCP4):c.167C>T (p.Thr56Ile)

Gene: TUBGCP4 (tubulin gamma complex component 4; plus strand). Cytogenetic location: 15q15.3.
Variant type: single nucleotide variant.
Coding change: c.167C>T on transcript NM_014444.5 (MANE Select); coding-DNA position 167, C replaced by T.
Protein change: p.Thr56Ile; replaces threonine 56 with isoleucine.
Molecular consequence: missense variant.
Genome position (GRCh38, 1-based): chr15:43,376,186, C>T. VCF-style: chr15-43376186-C-T. GRCh37 (hg19) VCF-style: chr15-43668384-C-T.
Other names: c.167C>T, p.Thr56Ile (NM_001286414.3); c.167C>T (NM_014444.2, NM_014444.3); short protein forms T56I.
Identifiers: ClinVar variation 839511 (VCV000839511.7), dbSNP rs202184979, ClinGen allele CA7523673.
Genomic context (GRCh38, chr15:43,376,186, plus strand): 5'-CCAGTGAGACCAGTGTCCTGAATCGACTCTGCCGGCTCGGCACAGACTATATTCGCTTCA[C>T]TGAGTTCATTGAACAGTACACGGGCCATGTGCAACAGCAGGTGGGTCCTGTTCTCTGTGG-3'
Protein context (NP_055259.2, residues 46-66): CRLGTDYIRF[Thr56Ile]EFIEQYTGHV